The following is an entry in ClinVar:

NM_020937.4(FANCM):c.5242T>G (p.Phe1748Val)

Gene: FANCM (FA complementation group M; plus strand). Cytogenetic location: 14q21.2.
Variant type: single nucleotide variant.
Coding change: c.5242T>G on transcript NM_020937.4 (MANE Select); coding-DNA position 5242, T replaced by G.
Protein change: p.Phe1748Val; replaces phenylalanine 1748 with valine.
Molecular consequence: missense variant.
Genome position (GRCh38, 1-based): chr14:45,189,264, T>G. VCF-style: chr14-45189264-T-G. GRCh37 (hg19) VCF-style: chr14-45658467-T-G.
Other names: c.5164T>G, p.Phe1722Val (NM_001308133.2); short protein forms F1722V, F1748V.
Identifiers: ClinVar variation 4844542 (VCV004844542.1).

ClinVar aggregate classification (germline): Uncertain significance (1 of 4 stars; one submission).

Conditions:
Inborn genetic diseases. Identifiers: MedGen C0950123, MeSH D030342.

Submission:

Ambry Genetics
Classification: Uncertain significance for Inborn genetic diseases. Last evaluated: 2026-01-20. Review status: criteria provided, single submitter. Criteria: Ambry Variant Classification Scheme 2023. Collection method: clinical testing. Allele origin: germline.
Comment: The p.F1748V variant (also known as c.5242T>G), located in coding exon 20 of the FANCM gene, results from a T to G substitution at nucleotide position 5242. The phenylalanine at codon 1748 is replaced by valine, an amino acid with highly similar properties. This amino acid position is conserved. In addition, this alteration is predicted to be tolerated by in silico analysis. Based on the available evidence, the clinical significance of this variant remains unclear.